The following is an entry in ClinVar:

ClinVar aggregate classification (germline): Uncertain significance (1 of 4 stars; one submission).

Submission:

GeneDx
Classification: Uncertain significance. Last evaluated: 2024-04-12. Review status: criteria provided, single submitter. Criteria: GeneDx Variant Classification Process June 2021. Collection method: clinical testing. Allele origin: germline. Affected: yes.
Comment: Not observed at significant frequency in large population cohorts (gnomAD); In silico analysis indicates that this missense variant does not alter protein structure/function; Has not been previously published as pathogenic or benign to our knowledge

NM_001145319.2(PLS1):c.193A>G (p.Ser65Gly)

Gene: PLS1 (plastin 1; plus strand). Cytogenetic location: 3q23.
Variant type: single nucleotide variant.
Coding change: c.193A>G on transcript NM_001145319.2 (MANE Select); coding-DNA position 193, A replaced by G.
Protein change: p.Ser65Gly; replaces serine 65 with glycine.
Molecular consequence: missense variant.
Genome position (GRCh38, 1-based): chr3:142,669,512, A>G. VCF-style: chr3-142669512-A-G. GRCh37 (hg19) VCF-style: chr3-142388354-A-G.
Other names: c.193A>G, p.Ser65Gly (NM_001172312.2, NM_002670.3); short protein forms S65G.
Identifiers: ClinVar variation 3372190 (VCV003372190.1).